The following is an entry in ClinVar:

ClinVar aggregate classification (germline): Conflicting classifications of pathogenicity. Review status: criteria provided, conflicting classifications (1 of 4 stars). 3 submissions from 3 submitters: Uncertain significance (1); Likely benign (2). Last evaluated 2026-03-25.

Conditions:
Inborn genetic diseases. Identifiers: MedGen C0950123, MeSH D030342.

Allele frequency attached by ClinVar (database versions not stated): ExAC 0.00002; gnomAD exomes 0.00002 and 0.00005; gnomAD 0.00009; TOPMed 0.00010; 1000 Genomes Project 0.00020; ESP Exome Variant Server 0.00023; 1000 Genomes Project 30x 0.00031.
gnomAD v4.1: 89 of 1,614,140 alleles (0.0055%); highest among the groups gnomAD compares: African/African-American, 0.008%; no homozygotes.

Submissions (3):

Ambry Genetics
Classification: Likely benign for Inborn genetic diseases. Last evaluated: 2026-03-25. Review status: criteria provided, single submitter. Criteria: Ambry Variant Classification Scheme 2023. Collection method: clinical testing. Allele origin: germline.

Blueprint Genetics
Classification: Likely benign. Last evaluated: 2024-08-07. Review status: criteria provided, single submitter. Criteria: ACMG Guidelines, 2015. Collection method: clinical testing. Allele origin: germline.

GeneDx
Classification: Uncertain significance. Last evaluated: 2022-03-01. Review status: criteria provided, single submitter. Criteria: GeneDx Variant Classification Process June 2021. Collection method: clinical testing. Allele origin: germline. Affected: yes.
Comment: Reported in two individuals from a large cohort of patients with neurodevelopmental disorders in published literature (Wang et al., 2020); In silico analysis, which includes protein predictors and evolutionary conservation, supports a deleterious effect; This variant is associated with the following publications: (PMID: 33004838)

Literature cited by the submitters: PubMed 33004838 (cited by Ambry Genetics).

NM_007118.4(TRIO):c.8131C>T (p.Arg2711Cys)

Genes: TRIO (trio Rho guanine nucleotide exchange factor; plus strand), LOC126807323 (CDK7 strongly-dependent group 2 enhancer GRCh37_chr5:14497716-14498915; plus strand). Cytogenetic location: 5p15.2.
Variant type: single nucleotide variant.
Coding change: c.8131C>T on transcript NM_007118.4 (MANE Select); coding-DNA position 8131, C replaced by T.
Protein change: p.Arg2711Cys; replaces arginine 2711 with cysteine.
Molecular consequence: missense variant. On other transcripts: non-coding transcript variant (1).
Genome position (GRCh38, 1-based): chr5:14,498,172, C>T. VCF-style: chr5-14498172-C-T. GRCh37 (hg19) VCF-style: chr5-14498281-C-T.
Other names: short protein forms R2711C.
Identifiers: ClinVar variation 1305368 (VCV001305368.6), dbSNP rs373515068, ClinGen allele CA3207744.